The following is an entry in ClinVar:

ClinVar aggregate classification (germline): Likely benign. Review status: criteria provided, multiple submitters, no conflicts (2 of 4 stars). 3 submissions from 3 submitters: Likely benign (2). 1 of the submissions does not count toward it. Last evaluated 2025-12-21.

Conditions:
UNC80-related disorder. Also called: UNC80-related condition.

Allele frequency attached by ClinVar (database versions not stated): gnomAD exomes 0.00014 and 0.00063; gnomAD 0.00024 and 0.00029; ExAC 0.00027; TOPMed 0.00040; 1000 Genomes Project 30x 0.00141; 1000 Genomes Project 0.00180.
gnomAD v4.1: 260 of 1,552,058 alleles (0.017%); highest among the groups gnomAD compares: East Asian, 0.49%; 1 homozygote.

Submissions (3):

Labcorp Genetics (formerly Invitae), Labcorp
Classification: Likely benign. Last evaluated: 2025-12-21. Review status: criteria provided, single submitter. Criteria: Invitae Variant Classification Sherloc (09022015). Collection method: clinical testing. Allele origin: germline.

Blueprint Genetics
Classification: Likely benign. Last evaluated: 2024-11-06. Review status: criteria provided, single submitter. Criteria: ACMG Guidelines, 2015. Collection method: clinical testing. Allele origin: germline.

PreventionGenetics, part of Exact Sciences
Classification: Benign for UNC80-related condition. Last evaluated: 2019-05-13. Review status: no assertion criteria provided. Collection method: clinical testing. Allele origin: germline. Not counted in ClinVar's aggregate classification.
Comment: This variant is classified as benign based on ACMG/AMP sequence variant interpretation guidelines (Richards et al. 2015 PMID: 25741868, with internal and published modifications).

NM_001371986.1(UNC80):c.3243C>T (p.Leu1081=)

Gene: UNC80 (unc-80 subunit of NALCN channel complex; plus strand). Cytogenetic location: 2q34.
Variant type: single nucleotide variant.
Coding change: c.3243C>T on transcript NM_001371986.1 (MANE Select); coding-DNA position 3243, C replaced by T.
Protein change: p.Leu1081=; no amino-acid change (leucine 1081 retained).
Molecular consequence: synonymous variant.
Genome position (GRCh38, 1-based): chr2:209,839,423, C>T. VCF-style: chr2-209839423-C-T. GRCh37 (hg19) VCF-style: chr2-210704147-C-T.
Other names: c.3243C>T, p.Leu1081= (NM_032504.2); c.3228C>T, p.Leu1076= (NM_182587.4).
Identifiers: ClinVar variation 730213 (VCV000730213.13), dbSNP rs183886966, ClinGen allele CA2083096.